The following is an entry in ClinVar:

ClinVar aggregate classification (germline): Uncertain significance (1 of 4 stars; one submission).

Conditions:
Hereditary cancer-predisposing syndrome. Also called: Hereditary neoplastic syndrome; Neoplastic Syndromes, Hereditary; Tumor predisposition; Hereditary Cancer Syndrome. Identifiers: Orphanet 140162, MedGen C0027672, MeSH D009386, MONDO:0015356.

Submission:

Ambry Genetics
Classification: Uncertain significance for Hereditary cancer-predisposing syndrome. Last evaluated: 2024-12-20. Review status: criteria provided, single submitter. Criteria: Ambry Variant Classification Scheme 2023. Collection method: clinical testing. Allele origin: germline.
Comment: The p.V958G variant (also known as c.2873T>G), located in coding exon 14 of the BLM gene, results from a T to G substitution at nucleotide position 2873. The valine at codon 958 is replaced by glycine, an amino acid with dissimilar properties. This amino acid position is conserved. In addition, this alteration is predicted to be deleterious by in silico analysis. Based on the available evidence, the clinical significance of this variant remains unclear.

NM_000057.4(BLM):c.2873T>G (p.Val958Gly)

Gene: BLM (BLM RecQ like helicase; plus strand). Cytogenetic location: 15q26.1.
Variant type: single nucleotide variant.
Coding change: c.2873T>G on transcript NM_000057.4 (MANE Select); coding-DNA position 2873, T replaced by G.
Protein change: p.Val958Gly; replaces valine 958 with glycine.
Molecular consequence: missense variant.
Genome position (GRCh38, 1-based): chr15:90,790,698, T>G. VCF-style: chr15-90790698-T-G. GRCh37 (hg19) VCF-style: chr15-91333928-T-G.
Other names: c.2873T>G, p.Val958Gly (NM_001287246.2, NM_001287247.2); c.1748T>G, p.Val583Gly (NM_001287248.2); short protein forms V583G, V958G.
Identifiers: ClinVar variation 3824436 (VCV003824436.1).